The following is an entry in ClinVar:

NM_006031.6(PCNT):c.6412dup (p.Val2138fs)

Gene: PCNT (pericentrin; plus strand). Cytogenetic location: 21q22.3.
Variant type: Duplication.
Coding change: c.6412dup on transcript NM_006031.6 (MANE Select); coding-DNA position 6412, one base duplicated (G; older notation c.6412dupG).
Protein change: p.Val2138fs; shifts the reading frame from valine 2138.
Molecular consequence: frameshift variant.
Genome position (GRCh38, 1-based): chr21:46,416,330, G duplicated. VCF-style (leftmost placement, unchanged base first): chr21-46416329-T-TG. GRCh37 (hg19) VCF-style: chr21-47836243-T-TG.
Other names: c.6058dup, p.Val2020fs (NM_001315529.2); short protein forms V2020fs, V2138fs.
Identifiers: ClinVar variation 1069878 (VCV001069878.8), dbSNP rs746584417, ClinGen allele CA10080325.
Genomic context (GRCh38, chr21:46,416,329, plus strand): 5'-AGAAGAGCCTGACATATCACCCCACATAGACACATGTGATGCCAATACAGCCACGGGGGG[T>TG]GTAACTGATGTTATCAAAAATCAGGCCATAGACGCGTGTGATGCCAATACAACCCCAGGG-3'

ClinVar aggregate classification (germline): Pathogenic/Likely pathogenic. Review status: criteria provided, multiple submitters, no conflicts (2 of 4 stars). 3 submissions from 3 submitters: Pathogenic (1); Likely pathogenic (2). Last evaluated 2024-05-30.

Conditions:
Microcephalic osteodysplastic primordial dwarfism type II (MOPD2). Also called: Microcephalic osteodysplastic primordial dwarfism with tooth abnormalities; MOPD II; OSTEODYSPLASTIC PRIMORDIAL DWARFISM, TYPE II. Identifiers: Orphanet 2637, MedGen C0432246, MONDO:0008872, OMIM 210720.

Allele frequency attached by ClinVar (database versions not stated): gnomAD exomes below 0.00001 and 0.00001; TOPMed below 0.00001; ExAC 0.00001.

Submissions (3):

Fulgent Genetics
Classification: Likely pathogenic for Microcephalic osteodysplastic primordial dwarfism type II. Last evaluated: 2024-05-30. Review status: criteria provided, single submitter. Criteria: ACMG Guidelines, 2015. Collection method: clinical testing. Allele origin: germline.

Baylor Genetics
Classification: Likely pathogenic for Microcephalic osteodysplastic primordial dwarfism type II. Last evaluated: 2022-03-22. Review status: criteria provided, single submitter. Criteria: ACMG Guidelines, 2015. Collection method: clinical testing. Allele origin: unknown.

Labcorp Genetics (formerly Invitae), Labcorp
Classification: Pathogenic. Last evaluated: 2017-08-12. Review status: criteria provided, single submitter. Criteria: Invitae Variant Classification Sherloc (09022015). Collection method: clinical testing. Allele origin: germline.
Comment: Loss-of-function variants in PCNT are known to be pathogenic (PMID: 18174396, 22821869). For these reasons, this variant has been classified as Pathogenic. This variant has not been reported in the literature in individuals with PCNT-related disease. The frequency data for this variant in the population databases is considered unreliable, as metrics indicate poor data quality at this position in the ExAC database. This sequence change creates a premature translational stop signal (p.Val2138Glyfs*3) in the PCNT gene. It is expected to result in an absent or disrupted protein product.

Literature cited by the submitters: PubMed 18174396 (cited by Labcorp Genetics (formerly Invitae), Labcorp); PubMed 22821869 (cited by Labcorp Genetics (formerly Invitae), Labcorp).